The following is an entry in ClinVar:

ClinVar aggregate classification (germline): Uncertain significance. Review status: criteria provided, multiple submitters, no conflicts (2 of 4 stars). 2 submissions from 2 submitters: Uncertain significance (2). Last evaluated 2018-01-13.

Conditions:
Rafiq syndrome (RAFQS). Identifiers: Orphanet 88616, MedGen C3280127, MONDO:0013624, OMIM 614202.
Inborn genetic diseases. Identifiers: MedGen C0950123, MeSH D030342.

Allele frequency attached by ClinVar (database versions not stated): ExAC 0.00002; gnomAD 0.00002; TOPMed 0.00003.
gnomAD v4.1: 22 of 1,613,292 alleles (0.0014%); highest among the groups gnomAD compares: East Asian, 0.018%; no homozygotes.

Submissions (2):

Illumina Laboratory Services, Illumina
Classification: Uncertain significance for Rafiq syndrome. Last evaluated: 2018-01-13. Review status: criteria provided, single submitter. Criteria: ICSL Variant Classification Criteria 13 December 2019. Collection method: clinical testing. Allele origin: germline.

Ambry Genetics
Classification: Uncertain significance for Inborn genetic diseases. Last evaluated: 2017-08-07. Review status: criteria provided, single submitter. Criteria: Ambry Variant Classification Scheme 2023. Collection method: clinical testing. Allele origin: germline.
Comment: The p.G516S variant (also known as c.1546G>A), located in coding exon 10 of the MAN1B1 gene, results from a G to A substitution at nucleotide position 1546. The glycine at codon 516 is replaced by serine, an amino acid with similar properties. This amino acid position is highly conserved through mammals but not in all available vertebrate species. In addition, the in silico prediction for this alteration is inconclusive. Since supporting evidence is limited at this time, the clinical significance of this alteration remains unclear.

NM_016219.5(MAN1B1):c.1546G>A (p.Gly516Ser)

Gene: MAN1B1 (mannosidase alpha class 1B member 1; plus strand). Cytogenetic location: 9q34.3.
Variant type: single nucleotide variant.
Coding change: c.1546G>A on transcript NM_016219.5 (MANE Select); coding-DNA position 1546, G replaced by A.
Protein change: p.Gly516Ser; replaces glycine 516 with serine.
Molecular consequence: missense variant. On other transcripts: non-coding transcript variant (2).
Genome position (GRCh38, 1-based): chr9:137,106,789, G>A. VCF-style: chr9-137106789-G-A. GRCh37 (hg19) VCF-style: chr9-140001241-G-A.
Other names: short protein forms G516S.
Identifiers: ClinVar variation 365963 (VCV000365963.7), dbSNP rs760557104, ClinGen allele CA5359269.